The following is an entry in ClinVar:

ClinVar aggregate classification (germline): Uncertain significance (1 of 4 stars; one submission).

Conditions:
Pancreatic adenocarcinoma. Identifiers: MedGen C0281361, MONDO:0006047, HP:0006725.

Submission:

Labcorp Genetics (formerly Invitae), Labcorp
Classification: Uncertain significance for Pancreatic adenocarcinoma. Last evaluated: 2023-12-16. Review status: criteria provided, single submitter. Criteria: Invitae Variant Classification Sherloc (09022015). Collection method: clinical testing. Allele origin: germline.
Comment: This variant occurs in a non-coding region of the PALLD gene. It does not change the encoded amino acid sequence of the PALLD protein. Information on the frequency of this variant in the gnomAD database is not available, as this variant may be reported differently in the database. This variant has not been reported in the literature in individuals affected with PALLD-related conditions. Experimental studies and prediction algorithms are not available or were not evaluated, and the functional significance of this variant is currently unknown. In summary, the available evidence is currently insufficient to determine the role of this variant in disease. Therefore, it has been classified as a Variant of Uncertain Significance.

NM_001166108.2(PALLD):c.1964+44317_1964+44318inv

Gene: PALLD (palladin, cytoskeletal associated protein; plus strand). Cytogenetic location: 4q32.3.
Variant type: Inversion.
Coding change: c.1964+44317_1964+44318inv on transcript NM_001166108.2 (MANE Select).
Molecular consequence: intron variant.
Genome position: GRCh38 VCF-style: chr4-168756240-CA-TG. GRCh37 (hg19) VCF-style: chr4-169677391-CA-TG.
Other names: c.1964+44317_1964+44318inv (NM_016081.4); c.818+44317_818+44318inv (NM_001166109.2).
Identifiers: ClinVar variation 998866 (VCV000998866.6), ClinGen allele CA2499217170.